The following is an entry in ClinVar:

NM_015425.6(POLR1A):c.4345C>T (p.Arg1449Ter)

Gene: POLR1A (RNA polymerase I subunit A; minus strand). Cytogenetic location: 2p11.2.
Variant type: single nucleotide variant.
Coding change: c.4345C>T on transcript NM_015425.6 (MANE Select); coding-DNA position 4345, C replaced by T.
Protein change: p.Arg1449Ter; replaces arginine 1449 with a stop codon.
Molecular consequence: nonsense.
Genome position (GRCh38, 1-based): chr2:86,031,563, G>A on the plus strand (C>T on the coding strand, the complement: POLR1A is on the minus strand). VCF-style: chr2-86031563-G-A. GRCh37 (hg19) VCF-style: chr2-86258686-G-A.
Other names: short protein forms R1449*.
Identifiers: ClinVar variation 4056749 (VCV004056749.1).

ClinVar aggregate classification (germline): Uncertain significance (1 of 4 stars; one submission).

Conditions:
Acrofacial dysostosis Cincinnati type. Identifiers: Orphanet 1200, MedGen C4225317, MONDO:0014651, OMIM 616462.

Submission:

Laboratorio de Genetica e Diagnostico Molecular, Hospital Israelita Albert Einstein
Classification: Uncertain significance for Acrofacial dysostosis Cincinnati type. Last evaluated: 2023-04-17. Review status: criteria provided, single submitter. Criteria: ACMG Guidelines, 2015. Collection method: clinical testing. Allele origin: germline. Affected: yes.
Comment: ACMG classification criteria: PM2 moderate